The following is an entry in ClinVar:

ClinVar aggregate classification (germline): Uncertain significance. Review status: criteria provided, single submitter (1 of 4 stars). 2 submissions from 2 submitters: Uncertain significance (1). 1 of the submissions does not count toward it. Last evaluated 2016-08-23.

Conditions:
Smith-Lemli-Opitz syndrome (SLOS). Also called: POLYDACTYLY, SEX REVERSAL, RENAL HYPOPLASIA, AND UNILOBAR LUNG; RSH SYNDROME; RUTLEDGE LETHAL MULTIPLE CONGENITAL ANOMALY SYNDROME; 7-Dehydrocholesterol reductase deficiency; LETHAL ACRODYSGENITAL SYNDROME. Identifiers: Orphanet 818, MedGen C0175694, MONDO:0010035, OMIM 270400.
Inborn genetic diseases. Identifiers: MedGen C0950123, MeSH D030342.

Submissions (2):

Ambry Genetics
Classification: Uncertain significance for Inborn genetic diseases. Last evaluated: 2016-08-23. Review status: criteria provided, single submitter. Criteria: Ambry Variant Classification Scheme 2023. Collection method: clinical testing. Allele origin: germline.
Comment: The p.L187P variant (also known as c.560T>C), located in coding exon 4 of the DHCR7 gene, results from a T to C substitution at nucleotide position 560. The leucine at codon 187 is replaced by proline, an amino acid with similar properties. This variant was not reported in population based cohorts in the following databases: Database of Single Nucleotide Polymorphisms (dbSNP), NHLBI Exome Sequencing Project (ESP), and 1000 Genomes Project. In the ESP, this variant was not observed in 6494 samples (12988 alleles) with coverage at this position. This amino acid position is highly conserved in available vertebrate species. In addition, this alteration is predicted to be deleterious by in silico analysis. Since supporting evidence is limited at this time, the clinical significance of this variant remains unclear.

Natera, Inc.
Classification: Uncertain significance for Smith-Lemli-Opitz syndrome. Last evaluated: 2021-07-19. Review status: no assertion criteria provided. Collection method: clinical testing. Allele origin: germline. Not counted in ClinVar's aggregate classification.

NM_001360.3(DHCR7):c.560T>C (p.Leu187Pro)

Gene: DHCR7 (7-dehydrocholesterol reductase; minus strand). Cytogenetic location: 11q13.4.
Variant type: single nucleotide variant.
Coding change: c.560T>C on transcript NM_001360.3 (MANE Select); coding-DNA position 560, T replaced by C.
Protein change: p.Leu187Pro; replaces leucine 187 with proline.
Molecular consequence: missense variant.
Genome position (GRCh38, 1-based): chr11:71,441,293, A>G on the plus strand (T>C on the coding strand, the complement: DHCR7 is on the minus strand). VCF-style: chr11-71441293-A-G. GRCh37 (hg19) VCF-style: chr11-71152339-A-G.
Other names: c.560T>C, p.Leu187Pro (NM_001163817.2); short protein forms L187P.
Identifiers: ClinVar variation 587801 (VCV000587801.6), dbSNP rs1565587998, ClinGen allele CA381694421.